The following is an entry in ClinVar:

ClinVar aggregate classification (germline): Uncertain significance (1 of 4 stars; one submission).

Conditions:
Cardiovascular phenotype. Identifiers: MedGen CN230736.

Submission:

Ambry Genetics
Classification: Uncertain significance for Cardiovascular phenotype. Last evaluated: 2021-09-30. Review status: criteria provided, single submitter. Criteria: Ambry Variant Classification Scheme 2023. Collection method: clinical testing. Allele origin: germline.
Comment: The p.K2897E variant (also known as c.8689A>G), located in coding exon 26 of the APOB gene, results from an A to G substitution at nucleotide position 8689. The lysine at codon 2897 is replaced by glutamic acid, an amino acid with similar properties. This amino acid position is conserved. In addition, this alteration is predicted to be tolerated by in silico analysis. Since supporting evidence is limited at this time, the clinical significance of this alteration remains unclear.

NM_000384.3(APOB):c.8689A>G (p.Lys2897Glu)

Gene: APOB (apolipoprotein B; minus strand). Cytogenetic location: 2p24.1.
Variant type: single nucleotide variant.
Coding change: c.8689A>G on transcript NM_000384.3 (MANE Select); coding-DNA position 8689, A replaced by G.
Protein change: p.Lys2897Glu; replaces lysine 2897 with glutamic acid.
Molecular consequence: missense variant.
Genome position (GRCh38, 1-based): chr2:21,008,179, T>C on the plus strand (A>G on the coding strand, the complement: APOB is on the minus strand). VCF-style: chr2-21008179-T-C. GRCh37 (hg19) VCF-style: chr2-21231051-T-C.
Other names: short protein forms K2897E.
Identifiers: ClinVar variation 1764298 (VCV001764298.2), dbSNP rs2465365203, ClinGen allele CA345993579.